The following is an entry in ClinVar:

NM_000245.4(MET):c.3029-5T>C

Gene: MET (MET proto-oncogene, receptor tyrosine kinase; plus strand). Cytogenetic location: 7q31.2.
Variant type: single nucleotide variant.
Coding change: c.3029-5T>C on transcript NM_000245.4 (MANE Select); 5 bases into the intron before coding-DNA position 3029, T replaced by C.
Molecular consequence: intron variant.
Genome position (GRCh38, 1-based): chr7:116,774,876, T>C. VCF-style: chr7-116774876-T-C. GRCh37 (hg19) VCF-style: chr7-116414930-T-C.
Other names: c.3083-5T>C (NM_001127500.3, NM_001127500.1); c.1739-5T>C (NM_001324402.2).
Identifiers: ClinVar variation 1144809 (VCV001144809.10), dbSNP rs2117029329, ClinGen allele CA2499218665.
Genomic context (GRCh38, chr7:116,774,876, plus strand): 5'-CTGTTTCAGTCCCCATTAAATGAGGTTTTACTGTTGTTCTTTAATAATTTTCCTTCATCT[T>C]ACAGATCAGTTTCCTAATTCATCTCAGAACGGTTCATGCCGACAAGTGCAGTATCCTCTG-3'

ClinVar aggregate classification (germline): Conflicting classifications of pathogenicity. Review status: criteria provided, conflicting classifications (1 of 4 stars). 2 submissions from 2 submitters: Uncertain significance (1); Likely benign (1). Last evaluated 2026-04-15.

Conditions:
Hereditary cancer-predisposing syndrome. Also called: Neoplastic Syndromes, Hereditary; Tumor predisposition; Hereditary Cancer Syndrome; Hereditary neoplastic syndrome. Identifiers: Orphanet 140162, MedGen C0027672, MeSH D009386, MONDO:0015356.
Renal cell carcinoma. Identifiers: Orphanet 217071, MedGen C0007134, MeSH D002292, MONDO:0005086, HP:0005584.

Allele frequency attached by ClinVar (database versions not stated): gnomAD exomes below 0.00001.
gnomAD v4.1: 1 of 1,612,580 alleles (0.000062%); highest among the groups gnomAD compares: Non-Finnish European, 0.000085%; no homozygotes.

Submissions (2):

Ambry Genetics
Classification: Uncertain significance for Hereditary cancer-predisposing syndrome. Last evaluated: 2026-04-15. Review status: criteria provided, single submitter. Criteria: Ambry Variant Classification Scheme 2023. Collection method: clinical testing. Allele origin: germline.
Comment: The c.3083-5T>C intronic variant results from a T to C substitution 5 nucleotides upstream from coding exon 14 in the MET gene. This nucleotide position is well conserved in available vertebrate species. In silico splice site analysis predicts that this alteration will not have any significant effect on splicing. Based on the available evidence, the clinical significance of this variant remains unclear.

Labcorp Genetics (formerly Invitae), Labcorp
Classification: Likely benign for Renal cell carcinoma. Last evaluated: 2022-08-18. Review status: criteria provided, single submitter. Criteria: Invitae Variant Classification Sherloc (09022015). Collection method: clinical testing. Allele origin: germline.